The following is an entry in ClinVar:

ClinVar aggregate classification (germline): Pathogenic/Likely pathogenic. Review status: criteria provided, multiple submitters, no conflicts (2 of 4 stars). 3 submissions from 3 submitters: Pathogenic (1); Likely pathogenic (2). Last evaluated 2023-01-12.

Conditions:
Mucopolysaccharidosis type 7 (MPS7). Also called: BETA-GLUCURONIDASE DEFICIENCY; SLY SYNDROME; MPS VII; GUSB DEFICIENCY. Identifiers: Orphanet 584, MedGen C0085132, MONDO:0009662, OMIM 253220.

Allele frequency attached by ClinVar (database versions not stated): gnomAD exomes below 0.00001 and 0.00001.

Submissions (3):

Labcorp Genetics (formerly Invitae), Labcorp
Classification: Likely pathogenic for Mucopolysaccharidosis type 7. Last evaluated: 2023-01-12. Review status: criteria provided, single submitter. Criteria: Invitae Variant Classification Sherloc (09022015). Collection method: clinical testing. Allele origin: germline.
Comment: In summary, the currently available evidence indicates that the variant is pathogenic, but additional data are needed to prove that conclusively. Therefore, this variant has been classified as Likely Pathogenic. This variant disrupts the p.Arg382 amino acid residue in GUSB. Other variant(s) that disrupt this residue have been determined to be pathogenic (PMID: 1779626, 8644704, 29620724). This suggests that this residue is clinically significant, and that variants that disrupt this residue are likely to be disease-causing. Experimental studies have shown that this missense change affects GUSB function (PMID: 8644704). Advanced modeling of protein sequence and biophysical properties (such as structural, functional, and spatial information, amino acid conservation, physicochemical variation, residue mobility, and thermodynamic stability) performed at Invitae indicates that this missense variant is expected to disrupt GUSB protein function. ClinVar contains an entry for this variant (Variation ID: 1339727). This missense change has been observed in individual(s) with mucopolysaccharidosis type VII (PMID: 31497474). This variant is present in population databases (no rsID available, gnomAD 0.002%). This sequence change replaces arginine, which is basic and polar, with histidine, which is basic and polar, at codon 382 of the GUSB protein (p.Arg382His).

Women's Health and Genetics/Laboratory Corporation of America, LabCorp
Classification: Likely pathogenic for Mucopolysaccharidosis type 7. Last evaluated: 2022-01-20. Review status: criteria provided, single submitter. Criteria: LabCorp Variant Classification Summary - May 2015. Collection method: clinical testing. Allele origin: germline.
Comment: Variant summary: GUSB c.1145G>A (p.Arg382His) results in a non-conservative amino acid change in the encoded protein sequence. Five of five in-silico tools predict a damaging effect of the variant on protein function. The variant allele was found at a frequency of 8e-06 in 251194 control chromosomes (gnomAD). c.1145G>A has been reported in the literature in a compound heterozygous individual affected with Mucopolysaccharidosis Type VII (Sly Syndrome) (Vervoort_1996, Guffon_2019). Experimental evidence evaluating an impact on protein function demonstrated the enzyme activity of the variant to be <5% of the wild-type (Vervoort_1996). No clinical diagnostic laboratories have submitted clinical-significance assessments for this variant to ClinVar after 2014. Based on the evidence outlined above, the variant was classified as likely pathogenic.

Equipe Genetique des Anomalies du Developpement, Université de Bourgogne
Classification: Pathogenic for Mucopolysaccharidosis type 7. Last evaluated: 2020-01-21. Review status: criteria provided, single submitter. Criteria: ACMG Guidelines, 2015. Collection method: clinical testing. Allele origin: maternal. Inheritance: Autosomal recessive inheritance. Affected: yes.
Comment: This variant was observed in compound heterozygosity with variant c.526C>T

Literature cited by the submitters: PubMed 1779626 (cited by Labcorp Genetics (formerly Invitae), Labcorp); PubMed 8644704 (cited by Labcorp Genetics (formerly Invitae), Labcorp and Women's Health and Genetics/Laboratory Corporation of America, LabCorp); PubMed 29620724 (cited by Labcorp Genetics (formerly Invitae), Labcorp); PubMed 31497474 (cited by Labcorp Genetics (formerly Invitae), Labcorp and Women's Health and Genetics/Laboratory Corporation of America, LabCorp); PubMed 28124119 (cited by Equipe Genetique des Anomalies du Developpement, Université de Bourgogne); PubMed 28884947 (cited by Equipe Genetique des Anomalies du Developpement, Université de Bourgogne); PubMed 29698805 (cited by Equipe Genetique des Anomalies du Developpement, Université de Bourgogne); PubMed 30838730 (cited by Equipe Genetique des Anomalies du Developpement, Université de Bourgogne).

NM_000181.4(GUSB):c.1145G>A (p.Arg382His)

Gene: GUSB (glucuronidase beta; minus strand). Cytogenetic location: 7q11.21.
Variant type: single nucleotide variant.
Coding change: c.1145G>A on transcript NM_000181.4 (MANE Select); coding-DNA position 1145, G replaced by A.
Protein change: p.Arg382His; replaces arginine 382 with histidine.
Molecular consequence: missense variant. On other transcripts: non-coding transcript variant (1).
Genome position (GRCh38, 1-based): chr7:65,974,625, C>T on the plus strand (G>A on the coding strand, the complement: GUSB is on the minus strand). VCF-style: chr7-65974625-C-T. GRCh37 (hg19) VCF-style: chr7-65439612-C-T.
Other names: c.707G>A, p.Arg236His (NM_001284290.2); c.575G>A, p.Arg192His (NM_001293104.2); c.488G>A, p.Arg163His (NM_001293105.2); short protein forms R163H, R192H, R236H, R382H.
Identifiers: ClinVar variation 1339727 (VCV001339727.5), dbSNP rs764018631, ClinGen allele CA367644059.
Genomic context (GRCh38, chr7:65,974,625, plus strand): 5'-ACAATCCCATAGCGGTCACACATCTGCATCACTTCCTCTGCATAGGGGTAGTGGCTGGTA[C>T]GGAAAGCGTTGGCACCAAGCCAGCGAAGCAGGTTGAAGTCCTTCACCAGCAGCGGCCAGT-3'
Protein context (NP_000172.2, residues 372-392): LLRWLGANAF[Arg382His]TSHYPYAEEV